The following is an entry in ClinVar:

NM_004006.3(DMD):c.10182C>A (p.Tyr3394Ter)

Gene: DMD (dystrophin; minus strand). Cytogenetic location: Xp21.2.
Variant type: single nucleotide variant.
Coding change: c.10182C>A on transcript NM_004006.3 (MANE Select); coding-DNA position 10182, C replaced by A.
Protein change: p.Tyr3394Ter; replaces tyrosine 3394 with a stop codon.
Molecular consequence: nonsense.
Genome position (GRCh38, 1-based): chrX:31,178,710, G>T on the plus strand (C>A on the coding strand, the complement: DMD is on the minus strand). VCF-style: chrX-31178710-G-T. GRCh37 (hg19) VCF-style: chrX-31196827-G-T.
Other names: c.10158C>A, p.Tyr3386Ter (NM_000109.4); c.10170C>A, p.Tyr3390Ter (NM_004009.3); c.9813C>A, p.Tyr3271Ter (NM_004010.3); c.6159C>A, p.Tyr2053Ter (NM_004011.4); c.6150C>A, p.Tyr2050Ter (NM_004012.4); c.2802C>A, p.Tyr934Ter (NM_004013.3, NM_004020.4, NM_004021.3 and 2 more transcripts); c.1995C>A, p.Tyr665Ter (NM_004014.3); c.978C>A, p.Tyr326Ter (NM_004015.3, NM_004016.3, NM_004017.3 and 2 more transcripts); short protein forms Y665*, Y2050*, Y2053*, Y3386*, Y3394*, Y934*, Y326*, Y3271*.
Identifiers: ClinVar variation 661830 (VCV000661830.9), dbSNP rs1602416457, ClinGen allele CA412652759.

ClinVar aggregate classification (germline): Pathogenic (1 of 4 stars; one submission).

Conditions:
Duchenne muscular dystrophy (DMD). Also called: MUSCULAR DYSTROPHY, PSEUDOHYPERTROPHIC PROGRESSIVE, DUCHENNE TYPE; Duchenne Muscular Dystrophy (DMD). Identifiers: Orphanet 98896, MedGen C0013264, MONDO:0010679, OMIM 310200.

Submission:

Labcorp Genetics (formerly Invitae), Labcorp
Classification: Pathogenic for Duchenne muscular dystrophy. Last evaluated: 2019-07-22. Review status: criteria provided, single submitter. Criteria: Invitae Variant Classification Sherloc (09022015). Collection method: clinical testing. Allele origin: germline.
Comment: For these reasons, this variant has been classified as Pathogenic. Loss-of-function variants in DMD are known to be pathogenic (PMID: 16770791, 25007885). This variant has not been reported in the literature in individuals with DMD-related disease. This variant is not present in population databases (ExAC no frequency). This sequence change creates a premature translational stop signal (p.Tyr3394*) in the DMD gene. It is expected to result in an absent or disrupted protein product.

Literature cited by the submitters: PubMed 16770791; PubMed 25007885.